The following continues an entry in ClinVar:

NM_000257.4(MYH7):c.1370T>C (p.Ile457Thr)

Gene: MYH7. ClinVar aggregate classification (germline): Likely pathogenic. Likely pathogenic (1).

Submissions 6 to 16 of 19:

Variantyx, Inc.
Classification: Pathogenic for Hypertrophic cardiomyopathy 1. Last evaluated: 2025-11-13. Review status: criteria provided, single submitter. Criteria: Variantyx Assertion Criteria 2022. Collection method: clinical testing. Allele origin: germline. Inheritance: Autosomal dominant inheritance. Affected: yes. Not counted in ClinVar's aggregate classification.
Comment: This is a nonsynonymous variant in the MYH7 gene (OMIM: 160760). Pathogenic variants in this gene have been associated with autosomal dominant hypertrophic cardiomyopathy 1. This variant has been reported in at least 4 unrelated affected individuals (PMID: 21750094, 27532257, 37652022, 21239446) (PS4_Moderate). This variant lies within a known hotspot for pathogenic variants or a well-established critical functional domain of the MYH7 protein (PMID: 29300372) (PM1), and multiple computational algorithms predict a deleterious effect for this variant (REVEL score: 0.963) (PP3). This variant has a 0.0017% maximum allele frequency in non-founder control populations (PM2). Other reputable laboratories have reported this variant as pathogenic or likely pathogenic, and this classification has been validated by an expert panel in ClinVar (PP5). Based on the current evidence, this variant is classified as pathogenic for autosomal dominant hypertrophic cardiomyopathy 1.

Mayo Clinic Laboratories, Mayo Clinic
Classification: Likely pathogenic. Last evaluated: 2025-09-23. Review status: criteria provided, single submitter. Criteria: ACMG Guidelines, 2015. Collection method: clinical testing. Allele origin: germline. Observed: 2 variant alleles. Not counted in ClinVar's aggregate classification.
Comment: PP3, PM1, PM2_supporting, PS4

Clinical Genomics Laboratory, Washington University in St. Louis
Classification: Likely pathogenic for Hypertrophic cardiomyopathy 1. Last evaluated: 2025-08-05. Review status: criteria provided, single submitter. Criteria: ACMG Guidelines, 2015. Collection method: clinical testing. Allele origin: germline. Affected: yes. Not counted in ClinVar's aggregate classification.
Comment: The MYH7 c.1370T>C (p.Ile457Thr) variant has been reported in over 15 individuals affected with hypertrophic cardiomyopathy (HCM; Fokstuen S et al., PMID: 21239446; Helms AS et al., PMID: 27688314; Homburger JR et al., PMID: 27247418; Ingles J et al., PMID: 28408708; Ko C et al., PMID: 28640247; Mattivi CL et al., PMID: 32894683; Murphy SL et al., PMID: 26914223; Ross SB et al., PMID: 28615295; Viswanathan SK et al., PMID: 29121657; Walsh R et al., PMID: 27532257; Waldmuller S et al., PMID: 21750094). The variant was also observed in an individual with a childhood muscular disorder and bradycardia (Mamelona J et al., PMID: 31068177). This variant is only observed in 1/251,490 alleles in the general population (gnomAD v2.1.1), indicating it is not a common variant. Computational predictors indicate that the variant is damaging, evidence that correlates with impact to MYH7 function. This variant resides within a mutational hotspot between amino acids 181-937, that involves the motor domain, lever arm, and part of the rod in HCM cases (Walsh R et al., PMID:27532257). This variant has been classified in the ClinVar database by an expert panel and 13 additional submitters as likely pathogenic (ClinVar Variation ID: 42840). Based on available information and the ACMG/AMP guidelines for variant interpretation (Richards S et al., PMID: 25741868), this variant is classified as likely pathogenic.

Color Diagnostics, LLC DBA Color Health
Classification: Likely pathogenic for Cardiomyopathy. Last evaluated: 2025-07-21. Review status: criteria provided, single submitter. Criteria: ACMG Guidelines, 2015. Collection method: clinical testing. Allele origin: germline. Not counted in ClinVar's aggregate classification.
Comment: This missense variant replaces isoleucine with threonine at codon 457 of the MYH7 protein. This variant is found within a highly conserved region of the myosin head domain. Missense variants in this region have been shown to be significantly overrepresented in individuals with hypertrophic cardiomyopathy (PMID: 27532257). Computational prediction tools indicate that this variant has a deleterious impact on protein structure and function. In vitro functional experiments have shown that this variant increases actin-activated ATPase kinetics and actin gliding velocity (PMID: 31213605). This variant has been reported in more than ten individuals affected with hypertrophic cardiomyopathy (PMID: 21239446, 21750094, 26914223, 27247418, 27688314, 28615295, 28790153, 29121657, 32894683, 35026164), and in one individual affected with myosin storage myopathy with a combination of skeletal, respiratory, and cardiac muscle involvement (PMID: 31068177). This variant has been identified in 1/251490 chromosomes in the general population by the Genome Aggregation Database (gnomAD). Based on the available evidence, this variant is classified as Likely Pathogenic.

Revvity Omics, Revvity
Classification: Likely pathogenic. Last evaluated: 2025-06-27. Review status: criteria provided, single submitter. Criteria: ACMG Guidelines, 2015. Collection method: clinical testing. Allele origin: germline. Not counted in ClinVar's aggregate classification.

All of Us Research Program, National Institutes of Health
Classification: Likely pathogenic for Hypertrophic cardiomyopathy. Last evaluated: 2024-08-03. Review status: criteria provided, single submitter. Criteria: ACMG Guidelines, 2015. Collection method: clinical testing. Allele origin: germline. Inheritance: Autosomal dominant inheritance. Observed: 6 variant alleles, 6 heterozygotes. Not counted in ClinVar's aggregate classification.
Comment: This missense variant replaces isoleucine with threonine at codon 457 of the MYH7 protein. This variant is found within a highly conserved region of the myosin head domain. Missense variants in this region have been shown to be significantly overrepresented in individuals with hypertrophic cardiomyopathy (PMID: 27532257). Computational prediction suggests that this variant may have a deleterious impact on protein structure and function (internally defined REVEL score threshold >= 0.7, PMID: 27666373). In vitro functional experiments have shown that this variant increases actin-activated ATPase kinetics and actin gliding velocity (PMID: 31213605). This variant has been reported in over ten individuals affected with hypertrophic cardiomyopathy (PMID: 21239446, 21750094, 26914223, 27247418, 27688314, 28615295, 28790153, 29121657, 32894683, 35026164), and in an individual affected with myosin storage myopathy with a combination of skeletal, respiratory, and cardiac muscle involvement (PMID: 31068177). This variant has been identified in 1/251490 chromosomes in the general population by the Genome Aggregation Database (gnomAD). Based on the available evidence, this variant is classified as Likely Pathogenic.

This study involves interpretation of variants in research participants for the purpose of population health screening. Participant phenotype was not available at the time of variant classification. Additional details can be found in publication PMID: 35346344, PMCID: PMC8962531

Molecular Diagnostic Laboratory for Inherited Cardiovascular Disease, Montreal Heart Institute
Classification: Likely pathogenic for Cardiovascular phenotype. Last evaluated: 2024-06-18. Review status: criteria provided, single submitter. Criteria: ACMG Guidelines, 2015. Collection method: clinical testing. Allele origin: germline. Affected: yes. Not counted in ClinVar's aggregate classification.
Comment: PS4, PM1, PM2, PP3

CeGaT Center for Human Genetics Tuebingen
Classification: Likely pathogenic. Last evaluated: 2024-02-01. Review status: criteria provided, single submitter. Criteria: CeGaT Center For Human Genetics Tuebingen Variant Classification Criteria Version 2. Collection method: clinical testing. Allele origin: germline. Affected: yes. Observed: 1 variant allele. Not counted in ClinVar's aggregate classification.
Comment: MYH7: PM2, PS4:Moderate, PP3, PS3:Supporting

Women's Health and Genetics/Laboratory Corporation of America, LabCorp
Classification: Likely pathogenic for Primary familial hypertrophic cardiomyopathy. Last evaluated: 2023-11-16. Review status: criteria provided, single submitter. Criteria: LabCorp Variant Classification Summary - May 2015. Collection method: clinical testing. Allele origin: germline. Not counted in ClinVar's aggregate classification.
Comment: Variant summary: MYH7 c.1370T>C (p.Ile457Thr) results in a non-conservative amino acid change located in the Myosin head, motor domain (IPR001609) of the encoded protein sequence. Five of five in-silico tools predict a damaging effect of the variant on protein function. The variant allele was found at a frequency of 4e-06 in 251490 control chromosomes. c.1370T>C has been reported in the literature in multiple individuals affected with Hypertrophic Cardiomyopathy (e.g. Waldmuller_2011, Helms_2016) including in settings of multi-gene panel testing with frequent classification as likely pathogenic (e.g. Fokstuen_2011, Ingles_2017, Ross_2017, Ho_2018). These data indicate that the variant is likely to be associated with disease. To our knowledge, no experimental evidence demonstrating an impact on protein function has been reported. The following publications have been ascertained in the context of this evaluation (PMID: 21239446, 27688314, 30297972, 28408708, 28615295, 21750094). Ten submitters have cited clinical-significance assessments for this variant to ClinVar after 2014, classifying the variant as pathogenic (n=1), likely pathogenic (n=8), or uncertain significance (n=1). Based on the evidence outlined above, the variant was classified as likely pathogenic.

Blueprint Genetics
Classification: Pathogenic for MYH7-related disorders. Last evaluated: 2022-11-30. Review status: criteria provided, single submitter. Criteria: ACMG Guidelines, 2015. Collection method: clinical testing. Allele origin: germline. Affected: yes. Observed: 1 variant allele. Not counted in ClinVar's aggregate classification.

Fulgent Genetics
Classification: Likely pathogenic for MYH7-related skeletal myopathy; Myosin storage myopathy; Hypertrophic cardiomyopathy 1; Myopathy, myosin storage, autosomal recessive; Congenital myopathy 4A, autosomal dominant; Dilated cardiomyopathy 1S. Last evaluated: 2021-11-10. Review status: criteria provided, single submitter. Criteria: ACMG Guidelines, 2015. Collection method: clinical testing. Allele origin: unknown. Not counted in ClinVar's aggregate classification.